The following is an entry in ClinVar:

NM_014967.5(FAN1):c.1369C>T (p.Gln457Ter)

Gene: FAN1 (FANCD2 and FANCI associated nuclease 1; plus strand). Cytogenetic location: 15q13.3.
Variant type: single nucleotide variant.
Coding change: c.1369C>T on transcript NM_014967.5 (MANE Select); coding-DNA position 1369, C replaced by T.
Protein change: p.Gln457Ter; replaces glutamine 457 with a stop codon.
Molecular consequence: nonsense.
Genome position (GRCh38, 1-based): chr15:30,908,252, C>T. VCF-style: chr15-30908252-C-T. GRCh37 (hg19) VCF-style: chr15-31200455-C-T.
Other names: p.Gln457Ter; c.1369C>T, p.Gln457Ter (NM_001146094.2, NM_001146095.1, NM_001146096.2); short protein forms Q457*.
Identifiers: ClinVar variation 3248651 (VCV003248651.7), dbSNP rs746677293.
Genomic context (GRCh38, chr15:30,908,252, plus strand): 5'-GAAGAGATTGCCTTAGACTTAACACCTGTGATTGAAGAATTGACGAATGCAGGCTTTCTA[C>T]AGACAGGTATGACTAGTAGAAGGAGATGTGAAATGAAAATATGATCTGAAGAACTGAGCT-3'

ClinVar aggregate classification (germline): Pathogenic. Review status: criteria provided, multiple submitters, no conflicts (2 of 4 stars). 4 submissions from 4 submitters: Pathogenic (3). 1 of the submissions does not count toward it. Last evaluated 2025-09-24.

Conditions:
Karyomegalic interstitial nephritis. Identifiers: Orphanet 401996, MedGen C3553774, MONDO:0013898, OMIM 614817.

Allele frequency attached by ClinVar (database versions not stated): gnomAD 0.00001; TOPMed 0.00001; gnomAD exomes 0.00002; ExAC 0.00004.
gnomAD v4.1: 24 of 1,603,012 alleles (0.0015%); highest among the groups gnomAD compares: South Asian, 0.026%; no homozygotes.

Submissions (4):

3billion
Classification: Pathogenic for Karyomegalic interstitial nephritis. Last evaluated: 2025-09-24. Review status: criteria provided, single submitter. Criteria: ACMG Guidelines, 2015. Collection method: clinical testing. Allele origin: germline. Affected: yes.
Comment: The variant is observed at an extremely low frequency in the gnomAD v4.1.0 dataset (total allele frequency: 0.001%). Predicted Consequence/Location: Stop-gained (nonsense): predicted to result in a loss or disruption of normal protein function through nonsense-mediated decay (NMD) or protein truncation. Multiple pathogenic variants are reported downstream of the variant. The variant has been reported to be in trans with a pathogenic variant as either compound heterozygous or homozygous in at least one similarly affected unrelated individual (3billion dataset). The variant has been reported at least twice as pathogenic without evidence for the classification (ClinVar ID: VCV003248651 /PMID: 31263571 /3billion dataset). Therefore, this variant is classified as Pathogenic according to the recommendation of ACMG/AMP guideline.

Victorian Clinical Genetics Services, Murdoch Childrens Research Institute
Classification: Pathogenic for Karyomegalic interstitial nephritis. Last evaluated: 2025-02-04. Review status: criteria provided, single submitter. Criteria: ACMG Guidelines, 2015. Collection method: clinical testing. Allele origin: germline. Affected: yes.
Comment: This variant is classified as Pathogenic. Evidence in support of pathogenic classification: Variant is predicted to cause nonsense-mediated decay (NMD) and loss of protein (premature termination codon is located at least 54 nucleotides upstream of the final exon-exon junction); Variant is present in gnomAD <0.01 for a recessive condition (v4: 24 heterozygote(s), 0 homozygote(s)) ; Other NMD-predicted variant(s) comparable to the one identified in this case have very strong previous evidence for pathogenicity (DECIPHER). Additional information: This variant is homozygous; This gene is associated with autosomal recessive disease; Loss of function is a known mechanism of disease in this gene and is associated with interstitial nephritis, karyomegalic (MIM#614817); Inheritance information for this variant is not currently available in this individual.

Foundation for Research in Genetics and Endocrinology, FRIGE's Institute of Human Genetics
Classification: Pathogenic for Karyomegalic interstitial nephritis. Review status: criteria provided, single submitter. Criteria: ACMG Guidelines, 2015. Collection method: clinical testing. Allele origin: germline. Inheritance: Autosomal recessive inheritance. Affected: yes. Observed: 1 homozygote.
Comment: A homozygous nonsense variant in exon 3 of the FAN1 gene that results in a stop codon and premature truncation of the protein at codon 457 was detected. The observed variant c.1369C>T (p.Gln457*) has not been reported in the 1000 genomes and has MAF of 0.003% gnomAD databases. The in silico prediction of the variant are possibly damaging LRT, DANN and MutationTaster2. The reference codon is conserved across species. In summary, the variant meets our criteria to be classified as pathogenic.

Genetics laboratory, Institute of Kidney Diseases & Research Centre Dr. H.L. Trivedi Institute Of Transplantation Sciences
Classification: Pathogenic for Karyomegalic interstitial nephritis. Last evaluated: 2024-06-10. Review status: no assertion criteria provided. Collection method: clinical testing. Allele origin: germline. Inheritance: Autosomal recessive inheritance. Affected: yes. Observed: 1 variant allele, 1 homozygote. Not counted in ClinVar's aggregate classification.
Comment: A homozygous nonsense variant c.1369C>T in FAN1 gene (chr15:31200455; Depth:159x) was detected. This variant creates a premature stop codon p.Gln457Ter and may result in a null allele due to nonsense-mediated mRNA decay. This variant has been reported in the gnomAD browser with a very low allele frequency and it is not reported in Clinvar database. Based on the aforementioned evidence, the variant is classified as a pathogenic based on the ACMG-AMP classification system.

Literature cited by the submitters: PubMed 31263571 (cited by 3billion).